The following is an entry in ClinVar:

ClinVar aggregate classification (germline): Pathogenic. Review status: criteria provided, multiple submitters, no conflicts (2 of 4 stars). 2 submissions from 2 submitters: Pathogenic (2). Last evaluated 2024-10-11.

Conditions:
Bloom syndrome (BLM). Also called: Bloom-Torre-Machacek syndrome. Identifiers: Orphanet 125, MedGen C0005859, MONDO:0008876, OMIM 210900.
Hereditary cancer-predisposing syndrome. Also called: Tumor predisposition; Neoplastic Syndromes, Hereditary; Hereditary neoplastic syndrome; Hereditary Cancer Syndrome. Identifiers: Orphanet 140162, MedGen C0027672, MeSH D009386, MONDO:0015356.

Submissions (2):

Labcorp Genetics (formerly Invitae), Labcorp
Classification: Pathogenic for Bloom syndrome. Last evaluated: 2024-10-11. Review status: criteria provided, single submitter. Criteria: Invitae Variant Classification Sherloc (09022015). Collection method: clinical testing. Allele origin: germline.
Comment: This sequence change creates a premature translational stop signal (p.Pro210Thrfs*4) in the BLM gene. It is expected to result in an absent or disrupted protein product. Loss-of-function variants in BLM are known to be pathogenic (PMID: 17407155). This variant is not present in population databases (gnomAD no frequency). This variant has not been reported in the literature in individuals affected with BLM-related conditions. For these reasons, this variant has been classified as Pathogenic.

Ambry Genetics
Classification: Pathogenic for Hereditary cancer-predisposing syndrome. Last evaluated: 2024-09-05. Review status: criteria provided, single submitter. Criteria: Ambry Variant Classification Scheme 2023. Collection method: clinical testing. Allele origin: germline.
Comment: The c.627_628delTC pathogenic mutation, located in coding exon 2 of the BLM gene, results from a deletion of two nucleotides at nucleotide positions 627 to 628, causing a translational frameshift with a predicted alternate stop codon (p.P210Tfs*4). This variant is considered to be rare based on population cohorts in the Genome Aggregation Database (gnomAD). This alteration is expected to result in loss of function by premature protein truncation or nonsense-mediated mRNA decay. As such, this alteration is interpreted as a disease-causing mutation.

Literature cited by the submitters: PubMed 17407155 (cited by Labcorp Genetics (formerly Invitae), Labcorp).

NM_000057.4(BLM):c.627_628del (p.Pro210fs)

Gene: BLM (BLM RecQ like helicase; plus strand). Cytogenetic location: 15q26.1.
Variant type: Deletion.
Coding change: c.627_628del on transcript NM_000057.4 (MANE Select); coding-DNA positions 627 to 628, 2 bases deleted (TC; older notation c.627_628delTC).
Protein change: p.Pro210fs; shifts the reading frame from proline 210.
Molecular consequence: frameshift variant. On other transcripts: 5 prime UTR variant (1).
Genome position (GRCh38, 1-based): chr15:90,749,895-90,749,896, TC deleted; deleting any 2 consecutive bases within chr15:90,749,894-90,749,896 gives the same sequence; the c. name uses the placement nearest the transcript's 3' end. VCF-style (leftmost placement, unchanged base first): chr15-90749893-CCT-C. GRCh37 (hg19) VCF-style: chr15-91293123-CCT-C.
Other names: c.627_628del, p.Pro210fs (NM_001287246.2, NM_001287247.2); c.-665_-664del (NM_001287248.2); short protein forms P210fs.
Identifiers: ClinVar variation 3480834 (VCV003480834.3).